The following is an entry in ClinVar:

ClinVar aggregate classification (germline): Pathogenic (1 of 4 stars; one submission).

Conditions:
Neurofibromatosis, type 1 (NF1). Also called: Neurofibromatosis, type I; VON RECKLINGHAUSEN DISEASE; NEUROFIBROMATOSIS, TYPE I, SOMATIC; Peripheral type neurofibromatosis. Identifiers: Orphanet 636, MedGen C0027831, MONDO:0018975, OMIM 162200. Disease mechanism: loss of function.

Submission:

Labcorp Genetics (formerly Invitae), Labcorp
Classification: Pathogenic for Neurofibromatosis, type 1. Last evaluated: 2021-03-26. Review status: criteria provided, single submitter. Criteria: Invitae Variant Classification Sherloc (09022015). Collection method: clinical testing. Allele origin: germline.
Comment: For these reasons, this variant has been classified as Pathogenic. This variant has not been reported in the literature in individuals with NF1-related conditions. This variant is not present in population databases (ExAC no frequency). This sequence change creates a premature translational stop signal (p.Ser1733Leufs*11) in the NF1 gene. It is expected to result in an absent or disrupted protein product. Loss-of-function variants in NF1 are known to be pathogenic (PMID: 10712197, 23913538).

Literature cited by the submitters: PubMed 10712197; PubMed 23913538.

NM_001042492.3(NF1):c.5261del (p.Ser1754fs)

Gene: NF1 (neurofibromin 1; plus strand). Cytogenetic location: 17q11.2.
Variant type: Deletion.
Coding change: c.5261del on transcript NM_001042492.3 (MANE Select); coding-DNA position 5261, one base deleted (C; older notation c.5261delC).
Protein change: p.Ser1754fs; shifts the reading frame from serine 1754.
Molecular consequence: frameshift variant.
Genome position (GRCh38, 1-based): chr17:31,326,245, C deleted. VCF-style (leftmost placement, unchanged base first): chr17-31326244-TC-T. GRCh37 (hg19) VCF-style: chr17-29653262-TC-T.
Other names: c.5198delC, p.Ser1733Leufs (NM_000267.4); short protein forms S1733fs, S1754fs.
Identifiers: ClinVar variation 1452624 (VCV001452624.6), dbSNP rs2151539102, ClinGen allele CA2573153386.
Genomic context (GRCh38, chr17:31,326,244, plus strand): 5'-GAAGAGGACCTGAAGGTATTCCACAATGCTCTCAAGCTAGCTCACAAAGACACCAAAGTT[TC>T]TATTAAAGTAAGTTCCAGTCTGTGTTTTGTAAACGATTCATTGCTTTTCTTGACTAACTA-3'